The following is an entry in ClinVar:

ClinVar aggregate classification (germline): Uncertain significance (1 of 4 stars; one submission).

Submission:

CeGaT Center for Human Genetics Tuebingen
Classification: Uncertain significance. Last evaluated: 2023-02-01. Review status: criteria provided, single submitter. Criteria: CeGaT Center For Human Genetics Tuebingen Variant Classification Criteria Version 2. Collection method: clinical testing. Allele origin: germline. Affected: yes. Observed: 1 variant allele.
Comment: GABRG3: PM2

NM_033223.5(GABRG3):c.491+1G>A

Gene: GABRG3 (gamma-aminobutyric acid type A receptor subunit gamma3; plus strand). Cytogenetic location: 15q12.
Variant type: single nucleotide variant.
Coding change: c.491+1G>A on transcript NM_033223.5 (MANE Select); the canonical splice donor site of the intron after coding-DNA position 491, G replaced by A.
Molecular consequence: splice donor variant.
Genome position (GRCh38, 1-based): chr15:27,327,030, G>A. VCF-style: chr15-27327030-G-A. GRCh37 (hg19) VCF-style: chr15-27572177-G-A.
Other names: c.491+1G>A (NM_001270873.2).
Identifiers: ClinVar variation 2645030 (VCV002645030.24), dbSNP rs2503995802, ClinGen allele CA391466633.
Genomic context (GRCh38, chr15:27,327,030, plus strand): 5'-CACCACACCCAATCAGCTCCTCCGGATTTGGAATGACGGGAAAATCCTTTACACTTTGAG[G>A]TAAGATGCTGCATCGATCTTTGATTACTCCTGGTTTAAAATGGGATCCTTAATTTGAATC-3'